The following is an entry in ClinVar:

ClinVar aggregate classification (germline): Uncertain significance (1 of 4 stars; one submission).

Conditions:
Cardiovascular phenotype. Identifiers: MedGen CN230736.

gnomAD v4.1: 2 of 1,613,894 alleles (0.00012%); highest among the groups gnomAD compares: African/African-American, 0.0027%; no homozygotes.

Submission:

Ambry Genetics
Classification: Uncertain significance for Cardiovascular phenotype. Last evaluated: 2024-10-19. Review status: criteria provided, single submitter. Criteria: Ambry Variant Classification Scheme 2023. Collection method: clinical testing. Allele origin: germline.
Comment: The p.Q50H variant (also known as c.150G>T), located in coding exon 2 of the CACNB2 gene, results from a G to T substitution at nucleotide position 150. The glutamine at codon 50 is replaced by histidine, an amino acid with highly similar properties. This amino acid position is conserved. In addition, the in silico prediction for this alteration is inconclusive. Based on the available evidence, the clinical significance of this variant remains unclear.

NM_201596.3(CACNB2):c.312G>T (p.Gln104His)

Gene: CACNB2 (calcium voltage-gated channel auxiliary subunit beta 2; plus strand). Cytogenetic location: 10p12.31.
Variant type: single nucleotide variant.
Coding change: c.312G>T on transcript NM_201596.3 (MANE Select); coding-DNA position 312, G replaced by T.
Protein change: p.Gln104His; replaces glutamine 104 with histidine.
Molecular consequence: missense variant.
Genome position (GRCh38, 1-based): chr10:18,402,022, G>T. VCF-style: chr10-18402022-G-T. GRCh37 (hg19) VCF-style: chr10-18690951-G-T.
Other names: c.147G>T, p.Gln49His (NM_000724.4, NM_001330060.2); c.228G>T, p.Gln76His (NM_001167945.2, NM_201571.4, NM_201572.4); c.168G>T, p.Gln56His (NM_001410882.1, NM_201570.3); c.150G>T, p.Gln50His (NM_201590.3); c.312G>T, p.Gln104His (NM_201593.3, NM_201597.3); short protein forms Q56H, Q104H, Q50H, Q49H, Q76H.
Identifiers: ClinVar variation 3484159 (VCV003484159.1).